The following is an entry in ClinVar:

NM_173630.4(RTTN):c.3037G>A (p.Ala1013Thr)

Gene: RTTN (rotatin; minus strand). Cytogenetic location: 18q22.2.
Variant type: single nucleotide variant.
Coding change: c.3037G>A on transcript NM_173630.4 (MANE Select); coding-DNA position 3037, G replaced by A.
Protein change: p.Ala1013Thr; replaces alanine 1013 with threonine.
Molecular consequence: missense variant.
Genome position (GRCh38, 1-based): chr18:70,128,464, C>T on the plus strand (G>A on the coding strand, the complement: RTTN is on the minus strand). VCF-style: chr18-70128464-C-T. GRCh37 (hg19) VCF-style: chr18-67795700-C-T.
Other names: c.301G>A, p.Ala101Thr (NM_001318520.2); short protein forms A101T, A1013T.
Identifiers: ClinVar variation 1356740 (VCV001356740.6), dbSNP rs748254074, ClinGen allele CA8995683.

ClinVar aggregate classification (germline): Uncertain significance. Review status: criteria provided, multiple submitters, no conflicts (2 of 4 stars). 3 submissions from 3 submitters: Uncertain significance (3). Last evaluated 2024-11-04.

Conditions:
Inborn genetic diseases. Identifiers: MedGen C0950123, MeSH D030342.

Allele frequency attached by ClinVar (database versions not stated): ExAC 0.00004; gnomAD exomes 0.00004; TOPMed 0.00002.
gnomAD v4.1: 13 of 1,613,236 alleles (0.00081%); highest among the groups gnomAD compares: Admixed American, 0.022%; no homozygotes.

Submissions (3):

Labcorp Genetics (formerly Invitae), Labcorp
Classification: Uncertain significance. Last evaluated: 2024-11-04. Review status: criteria provided, single submitter. Criteria: Invitae Variant Classification Sherloc (09022015). Collection method: clinical testing. Allele origin: germline.
Comment: This sequence change replaces alanine, which is neutral and non-polar, with threonine, which is neutral and polar, at codon 1013 of the RTTN protein (p.Ala1013Thr). This variant is present in population databases (rs748254074, gnomAD 0.03%). This variant has not been reported in the literature in individuals affected with RTTN-related conditions. ClinVar contains an entry for this variant (Variation ID: 1356740). Invitae Evidence Modeling of protein sequence and biophysical properties (such as structural, functional, and spatial information, amino acid conservation, physicochemical variation, residue mobility, and thermodynamic stability) indicates that this missense variant is not expected to disrupt RTTN protein function with a negative predictive value of 80%. In summary, the available evidence is currently insufficient to determine the role of this variant in disease. Therefore, it has been classified as a Variant of Uncertain Significance.

Ambry Genetics
Classification: Uncertain significance for Inborn genetic diseases. Last evaluated: 2024-06-17. Review status: criteria provided, single submitter. Criteria: Ambry Variant Classification Scheme 2023. Collection method: clinical testing. Allele origin: germline.

GeneDx
Classification: Uncertain significance. Last evaluated: 2022-05-13. Review status: criteria provided, single submitter. Criteria: GeneDx Variant Classification Process June 2021. Collection method: clinical testing. Allele origin: germline. Affected: yes.
Comment: In silico analysis supports that this missense variant does not alter protein structure/function; Has not been previously published as pathogenic or benign to our knowledge